The following is an entry in ClinVar:

ClinVar aggregate classification (germline): Likely benign (1 of 4 stars; one submission).

Allele frequency attached by ClinVar (database versions not stated): ESP Exome Variant Server 0.00199; 1000 Genomes Project 0.00300; 1000 Genomes Project 30x 0.00328; TOPMed 0.00379.
gnomAD v4.1: 4,310 of 1,610,720 alleles (0.27%); highest among the groups gnomAD compares: African/African-American, 0.62%; 96 homozygotes.

Submission:

CeGaT Center for Human Genetics Tuebingen
Classification: Likely benign. Last evaluated: 2023-01-01. Review status: criteria provided, single submitter. Criteria: CeGaT Center For Human Genetics Tuebingen Variant Classification Criteria Version 2. Collection method: clinical testing. Allele origin: germline. Affected: yes. Observed: 2 variant alleles.
Comment: MUC5B: BP4, BP7, BS2

NM_002458.3(MUC5B):c.12837C>T (p.Pro4279=)

Gene: MUC5B (mucin 5B, oligomeric mucus/gel-forming; plus strand). Cytogenetic location: 11p15.5.
Variant type: single nucleotide variant.
Coding change: c.12837C>T on transcript NM_002458.3 (MANE Select); coding-DNA position 12837, C replaced by T.
Protein change: p.Pro4279=; no amino-acid change (proline 4279 retained).
Molecular consequence: synonymous variant.
Genome position (GRCh38, 1-based): chr11:1,249,717, C>T. VCF-style: chr11-1249717-C-T. GRCh37 (hg19) VCF-style: chr11-1270947-C-T.
Identifiers: ClinVar variation 2641290 (VCV002641290.24), dbSNP rs180674978, ClinGen allele CA5808119.